The following is an entry in ClinVar:

NM_001256789.3(CACNA1F):c.2733+3G>A

Gene: CACNA1F (calcium voltage-gated channel subunit alpha1 F; minus strand). Cytogenetic location: Xp11.23.
Variant type: single nucleotide variant.
Coding change: c.2733+3G>A on transcript NM_001256789.3 (MANE Select); 3 bases into the intron after coding-DNA position 2733, G replaced by A.
Molecular consequence: intron variant.
Genome position (GRCh38, 1-based): chrX:49,218,879, C>T on the plus strand (G>A on the coding strand, the complement: CACNA1F is on the minus strand). VCF-style: chrX-49218879-C-T. GRCh37 (hg19) VCF-style: chrX-49075338-C-T.
Other names: c.2766+3G>A (NM_005183.4); c.2571+3G>A (NM_001256790.3).
Identifiers: ClinVar variation 1479237 (VCV001479237.6), dbSNP rs781949304, ClinGen allele CA10410612.

ClinVar aggregate classification (germline): Uncertain significance (1 of 4 stars; one submission).

Allele frequency attached by ClinVar (database versions not stated): ExAC 0.00001; gnomAD exomes 0.00001; gnomAD 0.00002 and 0.00003; TOPMed 0.00004; 1000 Genomes Project 30x 0.00021; 1000 Genomes Project 0.00026.
gnomAD v4.1: 12 of 1,196,675 alleles (0.001%); highest among the groups gnomAD compares: Admixed American, 0.018%; no homozygotes.

Submission:

Labcorp Genetics (formerly Invitae), Labcorp
Classification: Uncertain significance. Last evaluated: 2022-10-04. Review status: criteria provided, single submitter. Criteria: Invitae Variant Classification Sherloc (09022015). Collection method: clinical testing. Allele origin: germline.
Comment: In summary, the available evidence is currently insufficient to determine the role of this variant in disease. Therefore, it has been classified as a Variant of Uncertain Significance. Variants that disrupt the consensus splice site are a relatively common cause of aberrant splicing (PMID: 17576681, 9536098). Algorithms developed to predict the effect of sequence changes on RNA splicing suggest that this variant is not likely to affect RNA splicing. ClinVar contains an entry for this variant (Variation ID: 1479237). This variant has not been reported in the literature in individuals affected with CACNA1F-related conditions. This variant is present in population databases (rs781949304, gnomAD 0.008%). This sequence change falls in intron 22 of the CACNA1F gene. It does not directly change the encoded amino acid sequence of the CACNA1F protein. It affects a nucleotide within the consensus splice site.

Literature cited by the submitters: PubMed 17576681; PubMed 9536098.